The following is an entry in ClinVar:

NM_002662.5(PLD1):c.2338G>A (p.Glu780Lys)

Gene: PLD1 (phospholipase D1; minus strand). Cytogenetic location: 3q26.31.
Variant type: single nucleotide variant.
Coding change: c.2338G>A on transcript NM_002662.5 (MANE Select); coding-DNA position 2338, G replaced by A.
Protein change: p.Glu780Lys; replaces glutamic acid 780 with lysine.
Molecular consequence: missense variant.
Genome position (GRCh38, 1-based): chr3:171,662,062, C>T on the plus strand (G>A on the coding strand, the complement: PLD1 is on the minus strand). VCF-style: chr3-171662062-C-T. GRCh37 (hg19) VCF-style: chr3-171379852-C-T.
Other names: c.2224G>A, p.Glu742Lys (NM_001130081.3); short protein forms E742K, E780K.
Identifiers: ClinVar variation 4680876 (VCV004680876.1).

ClinVar aggregate classification (germline): Likely pathogenic (1 of 4 stars; one submission).

gnomAD v4.1: 23 of 1,564,234 alleles (0.0015%); highest among the groups gnomAD compares: South Asian, 0.019%; no homozygotes.

Submission:

GeneDx
Classification: Likely pathogenic. Last evaluated: 2025-07-05. Review status: criteria provided, single submitter. Criteria: GeneDx Variant Classification Process June 2021. Collection method: clinical testing. Allele origin: germline. Affected: yes.
Comment: Not observed at significant frequency in large population cohorts (gnomAD); In silico analysis supports that this missense variant has a deleterious effect on protein structure/function; This variant is associated with the following publications: (PMID: 33645542, 40340270)